The following is an entry in ClinVar:

ClinVar aggregate classification (germline): Uncertain significance (1 of 4 stars; one submission).

Conditions:
Fanconi anemia (FA). Also called: Fanconi's anemia. Identifiers: Orphanet 84, MedGen C0015625, MeSH D005199, MONDO:0019391.

Submission:

Labcorp Genetics (formerly Invitae), Labcorp
Classification: Uncertain significance for Fanconi anemia. Last evaluated: 2024-11-03. Review status: criteria provided, single submitter. Criteria: Invitae Variant Classification Sherloc (09022015). Collection method: clinical testing. Allele origin: germline.
Comment: This sequence change replaces cysteine, which is neutral and slightly polar, with serine, which is neutral and polar, at codon 1083 of the FANCM protein (p.Cys1083Ser). This variant is not present in population databases (gnomAD no frequency). This variant has not been reported in the literature in individuals affected with FANCM-related conditions. An algorithm developed to predict the effect of missense changes on protein structure and function outputs the following: PolyPhen-2: "Benign". The serine amino acid residue is found in multiple mammalian species, which suggests that this missense change does not adversely affect protein function. In summary, the available evidence is currently insufficient to determine the role of this variant in disease. Therefore, it has been classified as a Variant of Uncertain Significance.

NM_020937.4(FANCM):c.3247T>A (p.Cys1083Ser)

Gene: FANCM (FA complementation group M; plus strand). Cytogenetic location: 14q21.2.
Variant type: single nucleotide variant.
Coding change: c.3247T>A on transcript NM_020937.4 (MANE Select); coding-DNA position 3247, T replaced by A.
Protein change: p.Cys1083Ser; replaces cysteine 1083 with serine.
Molecular consequence: missense variant.
Genome position (GRCh38, 1-based): chr14:45,176,001, T>A. VCF-style: chr14-45176001-T-A. GRCh37 (hg19) VCF-style: chr14-45645204-T-A.
Other names: c.3169T>A, p.Cys1057Ser (NM_001308133.2); short protein forms C1083S, C1057S.
Identifiers: ClinVar variation 3724471 (VCV003724471.2).